The following is an entry in ClinVar:

NM_032588.4(TRIM63):c.625C>T (p.Leu209=)

Gene: TRIM63 (tripartite motif containing 63; minus strand). Cytogenetic location: 1p36.11.
Variant type: single nucleotide variant.
Coding change: c.625C>T on transcript NM_032588.4 (MANE Select); coding-DNA position 625, C replaced by T.
Protein change: p.Leu209=; no amino-acid change (leucine 209 retained).
Molecular consequence: synonymous variant.
Genome position (GRCh38, 1-based): chr1:26,058,596, G>A on the plus strand (C>T on the coding strand, the complement: TRIM63 is on the minus strand). VCF-style: chr1-26058596-G-A. GRCh37 (hg19) VCF-style: chr1-26385087-G-A.
Identifiers: ClinVar variation 4981801 (VCV004981801.1).
Genomic context (GRCh38, chr1:26,058,596, plus strand): 5'-GCAGCAACTCACTTTTCTTCTCATCCAGGATGGCATACAACGTGTCAAACTTCTGGCTCA[G>A]CTCTTCCTTTACCTGGTGACTGTTCTCCTGAGGACGGAAGTCTTGTGGTCACGTTCTGTA-3'
Protein context (NP_115977.2, residues 199-219): KENSHQVKEE[Leu209=]SQKFDTLYAI

ClinVar aggregate classification (germline): Likely benign (1 of 4 stars; one submission).

Conditions:
TRIM63-related disorder. Also called: TRIM63-related condition.

Submission:

PreventionGenetics, part of Exact Sciences
Classification: Likely benign for TRIM63-related condition. Last evaluated: 2026-03-19. Review status: criteria provided, single submitter. Criteria: ACMG Guidelines, 2015. Collection method: clinical testing. Allele origin: germline.
Comment: This variant is classified as likely benign based on ACMG/AMP sequence variant interpretation guidelines (Richards et al. 2015 PMID: 25741868, with internal and published modifications).